The following is an entry in ClinVar:

NM_000271.5(NPC1):c.2667G>A (p.Val889=)

Gene: NPC1 (NPC intracellular cholesterol transporter 1; minus strand). Cytogenetic location: 18q11.2.
Variant type: single nucleotide variant.
Coding change: c.2667G>A on transcript NM_000271.5 (MANE Select); coding-DNA position 2667, G replaced by A.
Protein change: p.Val889=; no amino-acid change (valine 889 retained).
Molecular consequence: synonymous variant.
Genome position (GRCh38, 1-based): chr18:23,539,939, C>T on the plus strand (G>A on the coding strand, the complement: NPC1 is on the minus strand). VCF-style: chr18-23539939-C-T. GRCh37 (hg19) VCF-style: chr18-21119903-C-T.
Other names: c.2667G>A (NM_000271.4).
Identifiers: ClinVar variation 2099606 (VCV002099606.6), dbSNP rs756588471, ClinGen allele CA8913004.

ClinVar aggregate classification (germline): Likely benign. Review status: criteria provided, single submitter (1 of 4 stars). 2 submissions from 2 submitters: Likely benign (1). 1 of the submissions does not count toward it. Last evaluated 2025-12-06.

Conditions:
NPC1-related disorder. Also called: NPC1-related condition.
Niemann-Pick disease, type C1. Also called: NIEMANN-PICK DISEASE, VARIANT TYPE C1; NEUROVISCERAL STORAGE DISEASE WITH VERTICAL SUPRANUCLEAR OPHTHALMOPLEGIA; NIEMANN-PICK DISEASE WITH CHOLESTEROL ESTERIFICATION BLOCK; NIEMANN-PICK DISEASE WITHOUT SPHINGOMYELINASE DEFICIENCY; NIEMANN-PICK DISEASE, CHRONIC NEURONOPATHIC FORM. Identifiers: Orphanet 646, MedGen C3179455, MONDO:0009757, OMIM 257220.

Allele frequency attached by ClinVar (database versions not stated): gnomAD exomes below 0.00001; TOPMed below 0.00001; ExAC 0.00001; gnomAD 0.00001.
gnomAD v4.1: 5 of 1,614,090 alleles (0.00031%); highest among the groups gnomAD compares: South Asian, 0.0044%; no homozygotes.

Submissions (2):

Labcorp Genetics (formerly Invitae), Labcorp
Classification: Likely benign for Niemann-Pick disease, type C1. Last evaluated: 2025-12-06. Review status: criteria provided, single submitter. Criteria: Invitae Variant Classification Sherloc (09022015). Collection method: clinical testing. Allele origin: germline.

PreventionGenetics, part of Exact Sciences
Classification: Likely benign for NPC1-related condition. Last evaluated: 2021-06-10. Review status: no assertion criteria provided. Collection method: clinical testing. Allele origin: germline. Not counted in ClinVar's aggregate classification.
Comment: This variant is classified as likely benign based on ACMG/AMP sequence variant interpretation guidelines (Richards et al. 2015 PMID: 25741868, with internal and published modifications).